The following is an entry in ClinVar:

ClinVar aggregate classification (germline): Uncertain significance. Review status: criteria provided, multiple submitters, no conflicts (2 of 4 stars). 3 submissions from 3 submitters: Uncertain significance (3). Last evaluated 2025-12-11.

Conditions:
GATA5-related disorder. Also called: GATA5-related condition.
Congenital heart defects, multiple types, 5. Identifiers: MedGen C4693563, MONDO:0060663, OMIM 617912.

Allele frequency attached by ClinVar (database versions not stated): gnomAD exomes 0.00001; TOPMed 0.00001; gnomAD 0.00003.

Submissions (3):

PreventionGenetics, part of Exact Sciences
Classification: Uncertain significance for GATA5-related condition. Last evaluated: 2025-12-11. Review status: criteria provided, single submitter. Criteria: ACMG Guidelines, 2015. Collection method: clinical testing. Allele origin: germline.
Comment: The GATA5 c.743C>T variant is predicted to result in the amino acid substitution p.Thr248Met. To our knowledge, this variant has not been reported in the literature. This variant is reported in 0.0053% of alleles in individuals of African descent in gnomAD. At this time, the clinical significance of this variant is uncertain due to the absence of conclusive functional and genetic evidence.

Labcorp Genetics (formerly Invitae), Labcorp
Classification: Uncertain significance. Last evaluated: 2025-10-02. Review status: criteria provided, single submitter. Criteria: Invitae Variant Classification Sherloc (09022015). Collection method: clinical testing. Allele origin: germline.
Comment: This sequence change replaces threonine, which is neutral and polar, with methionine, which is neutral and non-polar, at codon 248 of the GATA5 protein (p.Thr248Met). The frequency data for this variant in the population databases is considered unreliable, as metrics indicate poor data quality at this position in the gnomAD database. This variant has not been reported in the literature in individuals affected with GATA5-related conditions. ClinVar contains an entry for this variant (Variation ID: 1431104). Invitae Evidence Modeling of protein sequence and biophysical properties (such as structural, functional, and spatial information, amino acid conservation, physicochemical variation, residue mobility, and thermodynamic stability) indicates that this missense variant is expected to disrupt GATA5 protein function with a positive predictive value of 80%. In summary, the available evidence is currently insufficient to determine the role of this variant in disease. Therefore, it has been classified as a Variant of Uncertain Significance.

Revvity Omics, Revvity
Classification: Uncertain significance for Congenital heart defects, multiple types, 5. Last evaluated: 2023-11-16. Review status: criteria provided, single submitter. Criteria: ACMG Guidelines, 2015. Collection method: clinical testing. Allele origin: germline.

NM_080473.5(GATA5):c.743C>T (p.Thr248Met)

Gene: GATA5 (GATA binding protein 5; minus strand). Cytogenetic location: 20q13.33.
Variant type: single nucleotide variant.
Coding change: c.743C>T on transcript NM_080473.5 (MANE Select); coding-DNA position 743, C replaced by T.
Protein change: p.Thr248Met; replaces threonine 248 with methionine.
Molecular consequence: missense variant.
Genome position (GRCh38, 1-based): chr20:62,466,508, G>A on the plus strand (C>T on the coding strand, the complement: GATA5 is on the minus strand). VCF-style: chr20-62466508-G-A. GRCh37 (hg19) VCF-style: chr20-61041564-G-A.
Other names: c.743C>T (NM_080473.4); short protein forms T248M.
Identifiers: ClinVar variation 1431104 (VCV001431104.10), dbSNP rs1224400554, ClinGen allele CA409553993.